The following is an entry in ClinVar:

NM_020884.7(MYH7B):c.5676+5G>A

Gene: MYH7B (myosin heavy chain 7B; plus strand). Cytogenetic location: 20q11.22.
Variant type: single nucleotide variant.
Coding change: c.5676+5G>A on transcript NM_020884.7 (MANE Select); 5 bases into the intron after coding-DNA position 5676, G replaced by A.
Molecular consequence: intron variant.
Genome position (GRCh38, 1-based): chr20:35,001,531, G>A. VCF-style: chr20-35001531-G-A. GRCh37 (hg19) VCF-style: chr20-33589334-G-A.
Identifiers: ClinVar variation 1957363 (VCV001957363.5), dbSNP rs777506489, ClinGen allele CA9828681.

ClinVar aggregate classification (germline): Uncertain significance (1 of 4 stars; one submission).

Allele frequency attached by ClinVar (database versions not stated): TOPMed below 0.00001; gnomAD 0.00001; gnomAD exomes 0.00001; ExAC 0.00002.
gnomAD v4.1: 4 of 1,598,698 alleles (0.00025%); highest among the groups gnomAD compares: Admixed American, 0.0069%; no homozygotes.

Submission:

Labcorp Genetics (formerly Invitae), Labcorp
Classification: Uncertain significance. Last evaluated: 2024-01-20. Review status: criteria provided, single submitter. Criteria: Invitae Variant Classification Sherloc (09022015). Collection method: clinical testing. Allele origin: germline.
Comment: This sequence change falls in intron 43 of the MYH7B gene. It does not directly change the encoded amino acid sequence of the MYH7B protein. It affects a nucleotide within the consensus splice site. This variant is present in population databases (rs777506489, gnomAD 0.007%). This variant has not been reported in the literature in individuals affected with MYH7B-related conditions. ClinVar contains an entry for this variant (Variation ID: 1957363). Variants that disrupt the consensus splice site are a relatively common cause of aberrant splicing (PMID: 17576681, 9536098). Algorithms developed to predict the effect of sequence changes on RNA splicing suggest that this variant may disrupt the consensus splice site. In summary, the available evidence is currently insufficient to determine the role of this variant in disease. Therefore, it has been classified as a Variant of Uncertain Significance.

Literature cited by the submitters: PubMed 17576681; PubMed 9536098.